The following is an entry in ClinVar:

NM_024312.5(GNPTAB):c.3326dup (p.Asn1109fs)

Gene: GNPTAB (N-acetylglucosamine-1-phosphate transferase subunits alpha and beta; minus strand). Cytogenetic location: 12q23.2.
Variant type: Duplication.
Coding change: c.3326dup on transcript NM_024312.5 (MANE Select); coding-DNA position 3326, one base duplicated (A; older notation c.3326dupA).
Protein change: p.Asn1109fs; shifts the reading frame from asparagine 1109.
Molecular consequence: frameshift variant.
Genome position (GRCh38, 1-based): chr12:101,757,581, T duplicated on the plus strand (A on the coding strand, the reverse complement: GNPTAB is on the minus strand); the first of 5 consecutive T bases (chr12:101,757,581-101,757,585); duplicating any one gives the same sequence. VCF-style (leftmost placement, unchanged base first): chr12-101757580-G-GT. GRCh37 (hg19) VCF-style: chr12-102151358-G-GT.
Other names: c.3326dupA (NM_024312.5); short protein forms N1109fs.
Identifiers: ClinVar variation 194787 (VCV000194787.14), dbSNP rs797044663, ClinGen allele CA275048.
Genomic context (GRCh38, chr12:101,757,580, plus strand): 5'-CCTTTGTGATTACTCTTATACTAAACAAAGGGAGTATGCGTGTACTACTTACCTATATTT[G>GT]TTTTTGTCCTTATATGCTTTGTGGATTTTGTCAGTTACTGGTTTACAGTTTGTTACTAGA-3'

ClinVar aggregate classification (germline): Pathogenic. Review status: criteria provided, multiple submitters, no conflicts (2 of 4 stars). 3 submissions from 3 submitters: Pathogenic (3). Last evaluated 2024-04-22.

Conditions:
Mucolipidosis. Also called: Mucolipidoses. Identifiers: Orphanet 79212, MedGen C0026697, MONDO:0019248.
Mucolipidosis type II. Also called: Mucolipidosis II Alpha/Beta; Mucolipidosis 2; ML 2; Inclusion cell disease; Leroy Disease; N-acetylglucosamine 1phosphotransferase deficiency. Identifiers: Orphanet 576, MedGen C2673377, MONDO:0009650, OMIM 252500.
Pseudo-Hurler polydystrophy. Also called: Mucolipidosis III Alpha/Beta; Type III Mucolipidosis; ML IIIA; ML III; ML III ALPHA/BETA; MUCOLIPIDOSIS IIIA. Identifiers: Orphanet 423461, Orphanet 577, MedGen C0033788, MONDO:0018931, OMIM 252600.

Submissions (3):

Women's Health and Genetics/Laboratory Corporation of America, LabCorp
Classification: Pathogenic for Mucolipidosis. Last evaluated: 2024-04-22. Review status: criteria provided, single submitter. Criteria: LabCorp Variant Classification Summary - May 2015. Collection method: clinical testing. Allele origin: germline.
Comment: Variant summary: GNPTAB c.3326dupA (p.Asn1109LysfsX4) results in a premature termination codon, predicted to cause a truncation of the encoded protein or absence of the protein due to nonsense mediated decay, which are commonly known mechanisms for disease. The variant was absent in 251250 control chromosomes (gnomAD). To our knowledge, no occurrence of c.3326dupA in individuals affected with Mucolipidosis and no experimental evidence demonstrating its impact on protein function have been reported. ClinVar contains an entry for this variant (Variation ID: 194787). Based on the evidence outlined above, the variant was classified as pathogenic.

Labcorp Genetics (formerly Invitae), Labcorp
Classification: Pathogenic for Pseudo-Hurler polydystrophy; Mucolipidosis type II. Last evaluated: 2023-09-15. Review status: criteria provided, single submitter. Criteria: Invitae Variant Classification Sherloc (09022015). Collection method: clinical testing. Allele origin: germline.
Comment: This sequence change creates a premature translational stop signal (p.Asn1109Lysfs*4) in the GNPTAB gene. It is expected to result in an absent or disrupted protein product. Loss-of-function variants in GNPTAB are known to be pathogenic (PMID: 19617216, 25107912). This variant is not present in population databases (gnomAD no frequency). This variant has not been reported in the literature in individuals affected with GNPTAB-related conditions. ClinVar contains an entry for this variant (Variation ID: 194787). For these reasons, this variant has been classified as Pathogenic.

Eurofins Ntd Llc (ga)
Classification: Pathogenic. Last evaluated: 2014-05-20. Review status: criteria provided, single submitter. Criteria: EGL Classification Definitions. Collection method: clinical testing. Allele origin: germline. Observed: 1 variant allele, 1 heterozygote.

Literature cited by the submitters: PubMed 19617216 (cited by Labcorp Genetics (formerly Invitae), Labcorp); PubMed 25107912 (cited by Labcorp Genetics (formerly Invitae), Labcorp).